The following is an entry in ClinVar:

ClinVar aggregate classification (germline): Uncertain significance (1 of 4 stars; one submission).

Conditions:
Cardiovascular phenotype. Identifiers: MedGen CN230736.

Submission:

Ambry Genetics
Classification: Uncertain significance for Cardiovascular phenotype. Last evaluated: 2026-07-02. Review status: criteria provided, single submitter. Criteria: Ambry Variant Classification Scheme 2023. Collection method: clinical testing. Allele origin: germline.
Comment: The p.E3108V variant (also known as c.9323A>T), located in coding exon 26 of the APOB gene, results from an A to T substitution at nucleotide position 9323. The glutamic acid at codon 3108 is replaced by valine, an amino acid with dissimilar properties. This amino acid position is conserved. In addition, this alteration is predicted to be tolerated by in silico analysis. Based on the available evidence, the clinical significance of this variant remains unclear.

NM_000384.3(APOB):c.9323A>T (p.Glu3108Val)

Gene: APOB (apolipoprotein B; minus strand). Cytogenetic location: 2p24.1.
Variant type: single nucleotide variant.
Coding change: c.9323A>T on transcript NM_000384.3 (MANE Select); coding-DNA position 9323, A replaced by T.
Protein change: p.Glu3108Val; replaces glutamic acid 3108 with valine.
Molecular consequence: missense variant.
Genome position (GRCh38, 1-based): chr2:21,007,545, T>A on the plus strand (A>T on the coding strand, the complement: APOB is on the minus strand). VCF-style: chr2-21007545-T-A. GRCh37 (hg19) VCF-style: chr2-21230417-T-A.
Other names: short protein forms E3108V.
Identifiers: ClinVar variation 5027424 (VCV005027424.1).